The following is an entry in ClinVar:

ClinVar aggregate classification (germline): Uncertain significance. Review status: criteria provided, multiple submitters, no conflicts (2 of 4 stars). 2 submissions from 2 submitters: Uncertain significance (2). Last evaluated 2023-12-27.

Conditions:
Walker-Warburg congenital muscular dystrophy. Also called: Muscular dystrophy-dystroglycanopathy, type A; Walker-Warburg syndrome. Identifiers: Orphanet 899, MedGen C0265221, MONDO:0000171.
Autosomal recessive limb-girdle muscular dystrophy type 2K. Also called: MUSCULAR DYSTROPHY, LIMB-GIRDLE, TYPE 2K; MUSCULAR DYSTROPHY-DYSTROGLYCANOPATHY (LIMB-GIRDLE), TYPE C, 1. Identifiers: Orphanet 86812, MedGen C1836373, MONDO:0012248, OMIM 609308.
Muscular dystrophy-dystroglycanopathy (congenital with impaired intellectual development), type B, 1. Also called: MUSCULAR DYSTROPHY, CONGENITAL, POMT1-RELATED; Muscular dystrophy-dystroglycanopathy (congenital with intellectual disability), type B1. Identifiers: MedGen C5436962, MONDO:0013159, OMIM 613155.
Inborn genetic diseases. Identifiers: MedGen C0950123, MeSH D030342.

Allele frequency attached by ClinVar (database versions not stated): gnomAD exomes 0.00001 and 0.00002; ExAC 0.00002; TOPMed 0.00001.
gnomAD v4.1: 20 of 1,614,158 alleles (0.0012%); highest among the groups gnomAD compares: Middle Eastern, 0.016%; no homozygotes.

Submissions (2):

Ambry Genetics
Classification: Uncertain significance for Inborn genetic diseases. Last evaluated: 2023-12-27. Review status: criteria provided, single submitter. Criteria: Ambry Variant Classification Scheme 2023. Collection method: clinical testing. Allele origin: germline.

Labcorp Genetics (formerly Invitae), Labcorp
Classification: Uncertain significance for Muscular dystrophy-dystroglycanopathy (congenital with impaired intellectual development), type B, 1; Walker-Warburg congenital muscular dystrophy; Autosomal recessive limb-girdle muscular dystrophy type 2K. Last evaluated: 2022-06-27. Review status: criteria provided, single submitter. Criteria: Invitae Variant Classification Sherloc (09022015). Collection method: clinical testing. Allele origin: germline.
Comment: This sequence change replaces serine, which is neutral and polar, with leucine, which is neutral and non-polar, at codon 602 of the POMT1 protein (p.Ser602Leu). This variant is present in population databases (rs755804404, gnomAD 0.003%). This variant has not been reported in the literature in individuals affected with POMT1-related conditions. Algorithms developed to predict the effect of missense changes on protein structure and function are either unavailable or do not agree on the potential impact of this missense change (SIFT: "Tolerated"; PolyPhen-2: "Probably Damaging"; Align-GVGD: "Class C0"). In summary, the available evidence is currently insufficient to determine the role of this variant in disease. Therefore, it has been classified as a Variant of Uncertain Significance.

NM_001077365.2(POMT1):c.1739C>T (p.Ser580Leu)

Gene: POMT1 (protein O-mannosyltransferase 1; plus strand). Cytogenetic location: 9q34.13.
Variant type: single nucleotide variant.
Coding change: c.1739C>T on transcript NM_001077365.2 (MANE Select); coding-DNA position 1739, C replaced by T.
Protein change: p.Ser580Leu; replaces serine 580 with leucine.
Molecular consequence: missense variant. On other transcripts: non-coding transcript variant (10).
Genome position (GRCh38, 1-based): chr9:131,521,386, C>T. VCF-style: chr9-131521386-C-T. GRCh37 (hg19) VCF-style: chr9-134396773-C-T.
Other names: c.1283C>T, p.Ser428Leu (NM_001353200.2); c.1727C>T, p.Ser576Leu (NM_001374689.1); c.1520C>T, p.Ser507Leu (NM_001374690.1); c.1388C>T, p.Ser463Leu (NM_001374691.1, NM_001374692.1, NM_001374693.1 and 2 more transcripts); c.1349C>T, p.Ser450Leu (NM_001374695.1); c.1805C>T, p.Ser602Leu (NM_007171.4, NM_001353193.2); c.1805C>T (NM_007171.3); c.1577C>T, p.Ser526Leu (NM_001077366.2, NM_001353194.2); and 4 more; short protein forms S450L, S463L, S550L, S485L, S548L, S602L, S428L, S507L.
Identifiers: ClinVar variation 1377587 (VCV001377587.4), dbSNP rs755804404, ClinGen allele CA5293808.
Genomic context (GRCh38, chr9:131,521,386, plus strand): 5'-CATCTCCCATGTTCCCTTAGGCTCAGATCCACCTACTTGGAAACATAGTGATCTGGGTTT[C>T]GGGCAGCCTCGCTCTGGCCATCTACGCCCTGCTGTCCTTGTGGTACCTGCTCCGACGGCG-3'
Protein context (NP_001070833.1, residues 570-590): HLLGNIVIWV[Ser580Leu]GSLALAIYAL